The following is an entry in ClinVar:

ClinVar aggregate classification (germline): Uncertain significance (1 of 4 stars; one submission).

Conditions:
3-methylglutaconic aciduria, type VIIB (MGCA7B). Also called: CLPB Deficiency; 3-methylglutaconic aciduria, type VII, with cataracts, neurologic involvement and neutropenia; 3-methylglutaconic aciduria with cataracts, neurologic involvement and neutropenia. Identifiers: Orphanet 445038, MedGen C5676893, MONDO:0014561, OMIM 616271.

Allele frequency attached by ClinVar (database versions not stated): ExAC 0.00001; gnomAD exomes 0.00002.
gnomAD v4.1: 4 of 1,613,292 alleles (0.00025%); highest among the groups gnomAD compares: Admixed American, 0.0067%; no homozygotes.

Submission:

Labcorp Genetics (formerly Invitae), Labcorp
Classification: Uncertain significance for 3-methylglutaconic aciduria, type VIIB. Last evaluated: 2022-08-16. Review status: criteria provided, single submitter. Criteria: Invitae Variant Classification Sherloc (09022015). Collection method: clinical testing. Allele origin: germline.
Comment: In summary, the available evidence is currently insufficient to determine the role of this variant in disease. Therefore, it has been classified as a Variant of Uncertain Significance. Algorithms developed to predict the effect of missense changes on protein structure and function (SIFT, PolyPhen-2, Align-GVGD) all suggest that this variant is likely to be tolerated. ClinVar contains an entry for this variant (Variation ID: 955414). This variant has not been reported in the literature in individuals affected with CLPB-related conditions. This variant is present in population databases (rs777039470, gnomAD 0.01%). This sequence change replaces glycine, which is neutral and non-polar, with alanine, which is neutral and non-polar, at codon 100 of the CLPB protein (p.Gly100Ala).

NM_001258392.3(CLPB):c.299G>C (p.Gly100Ala)

Genes: CLPB (ClpB family mitochondrial disaggregase; minus strand), LOC130006336 (ATAC-STARR-seq lymphoblastoid active region 5191; plus strand). Cytogenetic location: 11q13.4.
Variant type: single nucleotide variant.
Coding change: c.299G>C on transcript NM_001258392.3 (MANE Select); coding-DNA position 299, G replaced by C.
Protein change: p.Gly100Ala; replaces glycine 100 with alanine.
Molecular consequence: missense variant.
Genome position (GRCh38, 1-based): chr11:72,434,176, C>G on the plus strand (G>C on the coding strand, the complement: CLPB is on the minus strand). VCF-style: chr11-72434176-C-G. GRCh37 (hg19) VCF-style: chr11-72145220-C-G.
Other names: c.299G>C, p.Gly100Ala (NM_001258393.3, NM_030813.6); c.57G>C, p.Arg19Ser (NM_001258394.3); short protein forms G100A, R19S.
Identifiers: ClinVar variation 955414 (VCV000955414.10), dbSNP rs777039470, ClinGen allele CA6171631.